The following is an entry in ClinVar:

ClinVar aggregate classification (germline): Pathogenic (1 of 4 stars; one submission).

Conditions:
Dystonia 28, childhood-onset (DYT28). Also called: KMT2B-Related Dystonia (DYT-KMT2B). Identifiers: Orphanet 589618, MedGen C4310633, MONDO:0015004, OMIM 617284.

Submission:

GeneDx
Classification: Pathogenic. Last evaluated: 2018-12-26. Review status: criteria provided, single submitter. Criteria: GeneDx Variant Classification (06012015). Collection method: clinical testing. Allele origin: germline. Affected: yes.
Comment: The c.648_649insA variant in the KMT2B gene has not been reported previously as a pathogenic variant nor as a benign variant, to our knowledge. The c.648_649insA variant causes a frameshift starting with codon Arginine 217, changes this amino acid to a Threonine residue, and creates a premature Stop codon at position 35 of the new reading frame, denoted p.Arg217ThrfsX35. This variant is predicted to cause loss of normal protein function either through protein truncation or nonsense-mediated mRNA decay. The c.648_649insA variant is not observed in large population cohorts (Lek et al., 2016). We interpret c.648_649insA as a pathogenic variant.

NM_014727.3(KMT2B):c.648_649insA (p.Arg217fs)

Gene: KMT2B (lysine methyltransferase 2B; plus strand). Cytogenetic location: 19q13.12.
Variant type: Insertion.
Coding change: c.648_649insA on transcript NM_014727.3 (MANE Select); coding-DNA positions 648 to 649, A inserted.
Protein change: p.Arg217fs; shifts the reading frame from arginine 217.
Molecular consequence: frameshift variant.
Genome position: GRCh38 VCF-style: chr19-35719995-C-CA. GRCh37 (hg19) VCF-style: chr19-36210897-C-CA.
Other names: short protein forms R217fs.
Identifiers: ClinVar variation 817932 (VCV000817932.3), dbSNP rs1599668553, ClinGen allele CA915953032.